The following is an entry in ClinVar:

NM_001256317.3(TMPRSS3):c.572+2T>G

Gene: TMPRSS3 (transmembrane serine protease 3; minus strand). Cytogenetic location: 21q22.3.
Variant type: single nucleotide variant.
Coding change: c.572+2T>G on transcript NM_001256317.3 (MANE Select); the canonical splice donor site of the intron after coding-DNA position 572, T replaced by G.
Molecular consequence: splice donor variant.
Genome position (GRCh38, 1-based): chr21:42,385,407, A>C on the plus strand (T>G on the coding strand, the complement: TMPRSS3 is on the minus strand). VCF-style: chr21-42385407-A-C. GRCh37 (hg19) VCF-style: chr21-43805516-A-C.
Other names: c.572+2T>G (NM_024022.4, NM_032405.2); c.191+2T>G (NM_032404.3).
Identifiers: ClinVar variation 3774376 (VCV003774376.1).

ClinVar aggregate classification (germline): Likely pathogenic (0 of 4 stars; one submission).

Conditions:
Autosomal recessive nonsyndromic hearing loss 8 (DFNB8). Also called: NEUROSENSORY NONSYNDROMIC RECESSIVE DEAFNESS 8; Deafness, autosomal recessive 10. Identifiers: Orphanet 90636, MedGen C1832827, MONDO:0010987, OMIM 601072.

Submission:

Department of Pediatrics, Division of Medical Genetics, Faculty of Medicine Ramathibodi Hospital, Mahidol University
Classification: Likely pathogenic for Autosomal recessive nonsyndromic hearing loss 8. Last evaluated: 2025-03-12. Review status: no assertion criteria provided. Collection method: research. Allele origin: germline. Inheritance: Autosomal recessive inheritance. Affected: yes. Observed: 1 compound heterozygote.
Comment: This sequence change null variant (canonical +2 splice sites) in a gene where Loss-of-function in the TMPRSS3 gene (PMID: 23255163). This variant is not present in population databases (gnomAD no frequency). For these reasons, this variant has been classified as Likely-pathogenic.

Literature cited by the submitters: PubMed 23255163.